The following is an entry in ClinVar:

ClinVar aggregate classification (germline): Likely benign. Review status: criteria provided, multiple submitters, no conflicts (2 of 4 stars). 2 submissions from 2 submitters: Likely benign (2). Last evaluated 2017-04-27.

Conditions:
SEPN1-related disorder. Also called: SEPN1-Related Disorders. Identifiers: MedGen CN239420.

Allele frequency attached by ClinVar (database versions not stated): 1000 Genomes Project 0.01797; gnomAD 0.04444 and 0.04632; 1000 Genomes Project 30x 0.01952; TOPMed 0.04667; gnomAD exomes 0.06383.
gnomAD v4.1: 6,851 of 152,352 alleles (4.5%); highest among the groups gnomAD compares: Non-Finnish European, 7%; 228 homozygotes.

Submissions (2):

Illumina Laboratory Services, Illumina
Classification: Likely benign for SEPN1-Related Disorders. Last evaluated: 2017-04-27. Review status: criteria provided, single submitter. Criteria: ICSL Variant Classification Criteria 13 December 2019. Collection method: clinical testing. Allele origin: germline.
Comment: This variant was observed as part of a predisposition screen in an ostensibly healthy population. A literature search was performed for the gene, cDNA change, and amino acid change (where applicable). No publications were found based on this search. Allele frequency data from public databases allowed determination this variant is unlikely to cause disease. Therefore, this variant is classified as likely benign.

Breakthrough Genomics
Classification: Likely benign. Review status: criteria provided, single submitter. Criteria: ACMG Guidelines, 2015. Collection method: not provided. Allele origin: germline. Inheritance: Autosomal recessive inheritance. Affected: yes.

NM_206926.2(SELENON):c.*2336A>T

Gene: SELENON (selenoprotein N; plus strand). Cytogenetic location: 1p36.11.
Variant type: single nucleotide variant.
Coding change: c.*2336A>T on transcript NM_206926.2 (MANE Select); 2336 bases downstream of the stop codon, A replaced by T.
Molecular consequence: 3 prime UTR variant.
Genome position (GRCh38, 1-based): chr1:25,818,054, A>T. VCF-style: chr1-25818054-A-T. GRCh37 (hg19) VCF-style: chr1-26144545-A-T.
Other names: c.*2336A>T (NM_020451.3).
Identifiers: ClinVar variation 297065 (VCV000297065.6), dbSNP rs1044183, ClinGen allele CA10610027.
Genomic context (GRCh38, chr1:25,818,054, plus strand): 5'-CCCTTCTCCTGCTGCTCTGGGAGGGCCAGTTCCACATTGAGCCAGCCTGGTCCCATGGAA[A>T]ATGATGGCCTGGGCTTTCTGAGGCCTTATCTGATGCCTCTGCAGTTCATGTCCCCCACCA-3'